The following is an entry in ClinVar:

ClinVar aggregate classification (germline): Uncertain significance (1 of 4 stars; one submission).

Submission:

Labcorp Genetics (formerly Invitae), Labcorp
Classification: Uncertain significance. Last evaluated: 2024-07-15. Review status: criteria provided, single submitter. Criteria: Invitae Variant Classification Sherloc (09022015). Collection method: clinical testing. Allele origin: germline.
Comment: This sequence change replaces glutamine, which is neutral and polar, with arginine, which is basic and polar, at codon 258 of the TCIRG1 protein (p.Gln258Arg). This variant is not present in population databases (gnomAD no frequency). This variant has not been reported in the literature in individuals affected with TCIRG1-related conditions. ClinVar contains an entry for this variant (Variation ID: 1504841). Advanced modeling of protein sequence and biophysical properties (such as structural, functional, and spatial information, amino acid conservation, physicochemical variation, residue mobility, and thermodynamic stability) performed at Invitae indicates that this missense variant is not expected to disrupt TCIRG1 protein function with a negative predictive value of 80%. In summary, the available evidence is currently insufficient to determine the role of this variant in disease. Therefore, it has been classified as a Variant of Uncertain Significance.

NM_006019.4(TCIRG1):c.773A>G (p.Gln258Arg)

Gene: TCIRG1 (T cell immune regulator 1, ATPase H+ transporting V0 subunit a3; plus strand). Cytogenetic location: 11q13.2.
Variant type: single nucleotide variant.
Coding change: c.773A>G on transcript NM_006019.4 (MANE Select); coding-DNA position 773, A replaced by G.
Protein change: p.Gln258Arg; replaces glutamine 258 with arginine.
Molecular consequence: missense variant. On other transcripts: 5 prime UTR variant (1).
Genome position (GRCh38, 1-based): chr11:68,043,873, A>G. VCF-style: chr11-68043873-A-G. GRCh37 (hg19) VCF-style: chr11-67811340-A-G.
Other names: c.-122A>G (NM_001351059.2); c.125A>G, p.Gln42Arg (NM_006053.4); short protein forms Q258R, Q42R.
Identifiers: ClinVar variation 1504841 (VCV001504841.5), dbSNP rs2134440258, ClinGen allele CA381579356.
Genomic context (GRCh38, chr11:68,043,873, plus strand): 5'-GCTTCCACTGCCACGTCTTCCCGTTTCTGCAGCAGGAGGAGGCCCGCCTCGGGGCCCTGC[A>G]GCAGCTGCAACAGCAGAGCCAGGAGCTGCAGGAGGTGGGTGCCCCCGGCCTTCCGGAGGC-3'
Protein context (NP_006010.2, residues 248-268): QQEEARLGAL[Gln258Arg]QLQQQSQELQ